The following is an entry in ClinVar:

NM_004431.5(EPHA2):c.1369A>G (p.Ser457Gly)

Gene: EPHA2 (EPH receptor A2; minus strand). Cytogenetic location: 1p36.13.
Variant type: single nucleotide variant.
Coding change: c.1369A>G on transcript NM_004431.5 (MANE Select); coding-DNA position 1369, A replaced by G.
Protein change: p.Ser457Gly; replaces serine 457 with glycine.
Molecular consequence: missense variant.
Genome position (GRCh38, 1-based): chr1:16,135,714, T>C on the plus strand (A>G on the coding strand, the complement: EPHA2 is on the minus strand). VCF-style: chr1-16135714-T-C. GRCh37 (hg19) VCF-style: chr1-16462209-T-C.
Other names: c.1207A>G, p.Ser403Gly (NM_001329090.2); short protein forms S457G, S403G.
Identifiers: ClinVar variation 4752498 (VCV004752498.1).

ClinVar aggregate classification (germline): Uncertain significance (1 of 4 stars; one submission).

Conditions:
Cataract 6 multiple types. Also called: CATARACT, AGE-RELATED CORTICAL, 2; CATARACT 6, POSTERIOR POLAR; CATARACT 6, CONGENITAL TOTAL. Identifiers: Orphanet 91492, MedGen C1861825, MONDO:0007288, OMIM 116600.

gnomAD v4.1: 4 of 1,613,486 alleles (0.00025%); highest among the groups gnomAD compares: Admixed American, 0.005%; no homozygotes.

Submission:

Labcorp Genetics (formerly Invitae), Labcorp
Classification: Uncertain significance for Cataract 6 multiple types. Last evaluated: 2025-01-29. Review status: criteria provided, single submitter. Criteria: Invitae Variant Classification Sherloc (09022015). Collection method: clinical testing. Allele origin: germline.
Comment: This sequence change replaces serine, which is neutral and polar, with glycine, which is neutral and non-polar, at codon 457 of the EPHA2 protein (p.Ser457Gly). This variant is present in population databases (rs753218518, gnomAD 0.009%). This variant has not been reported in the literature in individuals affected with EPHA2-related conditions. Invitae Evidence Modeling of protein sequence and biophysical properties (such as structural, functional, and spatial information, amino acid conservation, physicochemical variation, residue mobility, and thermodynamic stability) indicates that this missense variant is not expected to disrupt EPHA2 protein function with a negative predictive value of 80%. In summary, the available evidence is currently insufficient to determine the role of this variant in disease. Therefore, it has been classified as a Variant of Uncertain Significance.